The following is an entry in ClinVar:

ClinVar aggregate classification (germline): Uncertain significance (1 of 4 stars; one submission).

Conditions:
Cardiovascular phenotype. Identifiers: MedGen CN230736.

Allele frequency attached by ClinVar (database versions not stated): gnomAD 0.00001.
gnomAD v4.1: 13 of 1,552,324 alleles (0.00084%); highest among the groups gnomAD compares: East Asian, 0.0024%; no homozygotes.

Submission:

Ambry Genetics
Classification: Uncertain significance for Cardiovascular phenotype. Last evaluated: 2023-06-03. Review status: criteria provided, single submitter. Criteria: Ambry Variant Classification Scheme 2023. Collection method: clinical testing. Allele origin: germline.
Comment: The p.C390W variant (also known as c.1170C>G), located in coding exon 2 of the TNXB gene, results from a C to G substitution at nucleotide position 1170. The cysteine at codon 390 is replaced by tryptophan, an amino acid with highly dissimilar properties. This amino acid position is conserved. In addition, the in silico prediction for this alteration is inconclusive. Since supporting evidence is limited at this time, the clinical significance of this alteration remains unclear.

NM_001365276.2(TNXB):c.1170C>G (p.Cys390Trp)

Gene: TNXB (tenascin XB; minus strand). Cytogenetic location: 6p21.33.
Variant type: single nucleotide variant.
Coding change: c.1170C>G on transcript NM_001365276.2 (MANE Select); coding-DNA position 1170, C replaced by G.
Protein change: p.Cys390Trp; replaces cysteine 390 with tryptophan.
Molecular consequence: missense variant.
Genome position (GRCh38, 1-based): chr6:32,096,683, G>C on the plus strand (C>G on the coding strand, the complement: TNXB is on the minus strand). VCF-style: chr6-32096683-G-C. GRCh37 (hg19) VCF-style: chr6-32064460-G-C.
Other names: c.1170C>G, p.Cys390Trp (NM_019105.8); short protein forms C390W.
Identifiers: ClinVar variation 2562158 (VCV002562158.2), dbSNP rs1467433274, ClinGen allele CA363483264.